The following is an entry in ClinVar:

NM_170601.5(SIAE):c.391A>T (p.Met131Leu)

Gene: SIAE (sialic acid acetylesterase; minus strand). Cytogenetic location: 11q24.2.
Variant type: single nucleotide variant.
Coding change: c.391A>T on transcript NM_170601.5 (MANE Select); coding-DNA position 391, A replaced by T.
Protein change: p.Met131Leu; replaces methionine 131 with leucine.
Molecular consequence: missense variant.
Genome position (GRCh38, 1-based): chr11:124,660,642, T>A on the plus strand (A>T on the coding strand, the complement: SIAE is on the minus strand). VCF-style: chr11-124660642-T-A. GRCh37 (hg19) VCF-style: chr11-124530538-T-A.
Other names: c.286A>T, p.Met96Leu (NM_001199922.2); short protein forms M131L, M96L.
Identifiers: ClinVar variation 3718878 (VCV003718878.2).
Genomic context (GRCh38, chr11:124,660,642, plus strand): 5'-CTTCATCACCAACACTGTGTATTATTGCTGAGACTCTGCAAATTACCTGTAACACAGTCA[T>A]CTGCATGTTACTCTGCCCACTACAGAGCCAGACATCTCCAAACAGGACGTCATGAACTCT-3'
Protein context (NP_733746.1, residues 121-141): WLCSGQSNMQ[Met131Leu]TVLQIFNATR

ClinVar aggregate classification (germline): Uncertain significance (1 of 4 stars; one submission).

Submission:

Labcorp Genetics (formerly Invitae), Labcorp
Classification: Uncertain significance. Last evaluated: 2024-10-06. Review status: criteria provided, single submitter. Criteria: Invitae Variant Classification Sherloc (09022015). Collection method: clinical testing. Allele origin: germline.
Comment: This sequence change replaces methionine, which is neutral and non-polar, with leucine, which is neutral and non-polar, at codon 131 of the SIAE protein (p.Met131Leu). This variant is present in population databases (rs769535412, gnomAD 0.006%). This variant has not been reported in the literature in individuals affected with SIAE-related conditions. An algorithm developed to predict the effect of missense changes on protein structure and function (PolyPhen-2) suggests that this variant is likely to be tolerated. In summary, the available evidence is currently insufficient to determine the role of this variant in disease. Therefore, it has been classified as a Variant of Uncertain Significance.